The following is an entry in ClinVar:

ClinVar aggregate classification (germline): Likely pathogenic (1 of 4 stars; one submission).

Conditions:
VPS13A-related neurodegenerative disease. Also called: LEVINE-CRITCHLEY SYNDROME; Choreoacanthocytosis; Chorea-acanthocytosis; ACANTHOCYTOSIS WITH NEUROLOGIC DISORDER; VPS13A Disease; Choreaacanthocytosis. Identifiers: Orphanet 2388, MedGen C0393576, MONDO:0008695, OMIM 200150.

Submission:

Natera, Inc.
Classification: Likely pathogenic for Choreaacanthocytosis. Last evaluated: 2025-09-24. Review status: criteria provided, single submitter. Criteria: Natera Variant Classification Schema (03/2026). Collection method: clinical testing. Allele origin: germline.
Comment: The c.3812+1G>A variant in VPS13A is a canonical splice donor site variant predicted to affect pre-mRNA splicing, which may result in an abnormal transcript and altered protein product. This variant is expected to result in nonsense mediated decay, truncation, or a dysfunctional protein product. This variant is rare in the general population with a frequency below the threshold expected for the associated phenotype(s). Given the available evidence, this variant is classified as Likely Pathogenic.

NM_033305.3(VPS13A):c.3812+1G>A

Gene: VPS13A (vacuolar protein sorting 13 homolog A; plus strand). Cytogenetic location: 9q21.2.
Variant type: single nucleotide variant.
Coding change: c.3812+1G>A on transcript NM_033305.3 (MANE Select); the canonical splice donor site of the intron after coding-DNA position 3812, G replaced by A.
Molecular consequence: splice donor variant.
Genome position (GRCh38, 1-based): chr9:77,295,847, G>A. VCF-style: chr9-77295847-G-A. GRCh37 (hg19) VCF-style: chr9-79910763-G-A.
Other names: c.3695+1G>A (NM_001018037.2); c.3812+1G>A (NM_015186.4, NM_001018038.3).
Identifiers: ClinVar variation 4816397 (VCV004816397.1).